The following is an entry in ClinVar:

ClinVar aggregate classification (germline): Benign/Likely benign. Review status: criteria provided, multiple submitters, no conflicts (2 of 4 stars). 2 submissions from 2 submitters: Benign (1); Likely benign (1). Last evaluated 2025-02-20.

Conditions:
Breast-ovarian cancer, familial, susceptibility to, 4. Identifiers: Orphanet 145, MedGen C3280345, MONDO:0013669, OMIM 614291.

Submissions (2):

Myriad Genetics, Inc.
Classification: Benign for Breast-ovarian cancer, familial, susceptibility to, 4. Last evaluated: 2025-02-20. Review status: criteria provided, single submitter. Criteria: Myriad Autosomal Dominant, Autosomal Recessive and X-Linked Classification Criteria (2023). Collection method: clinical testing. Allele origin: unknown.
Comment: This variant is considered benign. This variant is a silent/synonymous amino acid change and it is not expected to impact splicing.

Labcorp Genetics (formerly Invitae), Labcorp
Classification: Likely benign for Breast-ovarian cancer, familial, susceptibility to, 4. Last evaluated: 2020-03-18. Review status: criteria provided, single submitter. Criteria: Invitae Variant Classification Sherloc (09022015). Collection method: clinical testing. Allele origin: germline.

NM_002878.4(RAD51D):c.240C>A (p.Ala80=)

Genes: RAD51D (RAD51 paralog D; minus strand), RAD51L3-RFFL (RAD51L3-RFFL readthrough; minus strand). Cytogenetic location: 17q12.
Variant type: single nucleotide variant.
Coding change: c.240C>A on transcript NM_002878.4 (MANE Select); coding-DNA position 240, C replaced by A.
Protein change: p.Ala80=; no amino-acid change (alanine 80 retained).
Molecular consequence: synonymous variant. On other transcripts: intron variant (2).
Genome position (GRCh38, 1-based): chr17:35,118,524, G>T on the plus strand (C>A on the coding strand, the complement: RAD51D is on the minus strand). VCF-style: chr17-35118524-G-T. GRCh37 (hg19) VCF-style: chr17-33445543-G-T.
Other names: c.144+587C>A (NM_133629.3, NM_001142571.2).
Identifiers: ClinVar variation 1153453 (VCV001153453.10), dbSNP rs2142473765, ClinGen allele CA2499224280.
Genomic context (GRCh38, chr17:35,118,524, plus strand): 5'-CTGCCTCTCTCCTTCTTCCCCAAGTACACACACAAACCTGCCAATGCCAGTGGACAGGAT[G>T]GCAGTGGAGGTCTTCAGTTCCTCGTAGAGATCAGCGCCATTCACGGGGAAAGCCGAGAAC-3'
Protein context (NP_002869.3, residues 70-90): DLYEELKTST[Ala80=]ILSTGIGSLD